The following is an entry in ClinVar:

NM_000062.3(SERPING1):c.1001A>C (p.His334Pro)

Gene: SERPING1 (serpin family G member 1; plus strand). Cytogenetic location: 11q12.1.
Variant type: single nucleotide variant.
Coding change: c.1001A>C on transcript NM_000062.3 (MANE Select); coding-DNA position 1001, A replaced by C.
Protein change: p.His334Pro; replaces histidine 334 with proline.
Molecular consequence: missense variant.
Genome position (GRCh38, 1-based): chr11:57,606,519, A>C. VCF-style: chr11-57606519-A-C. GRCh37 (hg19) VCF-style: chr11-57373992-A-C.
Other names: c.1001A>C, p.His334Pro (NM_001032295.2); short protein forms H334P.
Identifiers: ClinVar variation 3242454 (VCV003242454.3), dbSNP rs766491693.
Genomic context (GRCh38, chr11:57,606,519, plus strand): 5'-ACTTCAAAAACTCAGTTATAAAAGTGCCCATGATGAATAGCAAGAAGTACCCTGTGGCCC[A>C]TTTCATTGACCAAACTTTGAAAGCCAAGGTAAGTTCTTAACCTTTCCTTCTCCTGTTTGA-3'
Protein context (NP_000053.2, residues 324-344): MMNSKKYPVA[His334Pro]FIDQTLKAKV

ClinVar aggregate classification (germline): Likely pathogenic (1 of 4 stars; one submission).

Conditions:
Hereditary angioedema type 1 (HAE1). Identifiers: Orphanet 100050, Orphanet 100051, Orphanet 91378, MedGen C2717906, MONDO:0015053, OMIM 106100.

Submission:

DNA-diagnostics Laboratory, Research Centre For Medical Genetics
Classification: Likely pathogenic for Hereditary angioedema type 1. Last evaluated: 2024-06-01. Review status: criteria provided, single submitter. Criteria: ACMG Guidelines, 2015. Collection method: research. Allele origin: germline. Inheritance: Autosomal dominant inheritance. Affected: yes. Observed: 1 variant allele, 1 heterozygote.
Comment: The pathogenic or likely pathogenic SERPING1 gene variants are detected in >90% of the HAE1/2 families and in >80% of the total HAE families (e.g., DOI: 10.1016/j.molimm.2008.05.007, 10.1159/2F000138883, 10.1016/j.molimm.2011.07.010). Such in silico algorithms as BayesDel, MutPred, REVEL support a deleterious effect of the c.1001A>C variant with Supporting evidence of pathogenicity, when choosing at least two identical assessments and using the threshold ranges from ClinGen recommendations (DOI: 10.1016/j.ajhg.2022.10.013). In summary, the c.1001A>C variant in SERPING1 meets ACMG/ClinGen SVI guidance criteria to be classified as likely pathogenic: PP4_Mod, PS4_Sup, PM2_Sup, PP2, PP3

Literature cited by the submitters: DOI 10.1186/s12948-021-00141-0.